The following is an entry in ClinVar:

NM_018249.6(CDK5RAP2):c.574C>T (p.Arg192Trp)

Gene: CDK5RAP2 (CDK5 regulatory subunit associated protein 2; minus strand). Cytogenetic location: 9q33.2.
Variant type: single nucleotide variant.
Coding change: c.574C>T on transcript NM_018249.6 (MANE Select); coding-DNA position 574, C replaced by T.
Protein change: p.Arg192Trp; replaces arginine 192 with tryptophan.
Molecular consequence: missense variant. On other transcripts: non-coding transcript variant (5).
Genome position (GRCh38, 1-based): chr9:120,536,460, G>A on the plus strand (C>T on the coding strand, the complement: CDK5RAP2 is on the minus strand). VCF-style: chr9-120536460-G-A. GRCh37 (hg19) VCF-style: chr9-123298738-G-A.
Other names: c.574C>T, p.Arg192Trp (NM_001011649.3, NM_001272039.2); short protein forms R192W.
Identifiers: ClinVar variation 158169 (VCV000158169.12), dbSNP rs369568564, ClinGen allele CA271241.

ClinVar aggregate classification (germline): Uncertain significance. Review status: criteria provided, multiple submitters, no conflicts (2 of 4 stars). 4 submissions from 4 submitters: Uncertain significance (4). Last evaluated 2022-06-09.

Conditions:
Microcephaly 3, primary, autosomal recessive. Identifiers: Orphanet 2512, MedGen C1858108, MONDO:0011488, OMIM 604804.
Inborn genetic diseases. Identifiers: MedGen C0950123, MeSH D030342.

Allele frequency attached by ClinVar (database versions not stated): TOPMed 0.00005; ExAC 0.00006; gnomAD 0.00007 and 0.00008; gnomAD exomes 0.00007 and 0.00008; ESP Exome Variant Server 0.00008.
gnomAD v4.1: 135 of 1,613,978 alleles (0.0084%); highest among the groups gnomAD compares: Middle Eastern, 0.016%; no homozygotes.

Submissions (4):

Ambry Genetics
Classification: Uncertain significance for Inborn genetic diseases. Last evaluated: 2022-06-09. Review status: criteria provided, single submitter. Criteria: Ambry Variant Classification Scheme 2023. Collection method: clinical testing. Allele origin: germline.

GeneDx
Classification: Uncertain significance. Last evaluated: 2022-02-03. Review status: criteria provided, single submitter. Criteria: GeneDx Variant Classification Process June 2021. Collection method: clinical testing. Allele origin: germline. Affected: yes.
Comment: Not observed at significant frequency in large population cohorts (gnomAD); In silico analysis supports that this missense variant has a deleterious effect on protein structure/function; Has not been previously published as pathogenic or benign to our knowledge

Illumina Laboratory Services, Illumina
Classification: Uncertain significance for Microcephaly 3, primary, autosomal recessive. Last evaluated: 2018-01-13. Review status: criteria provided, single submitter. Criteria: ICSL Variant Classification Criteria 13 December 2019. Collection method: clinical testing. Allele origin: germline.

Genetic Services Laboratory, University of Chicago
Classification: Uncertain significance for Microcephaly 3, primary, autosomal recessive. Last evaluated: 2013-02-08. Review status: criteria provided, single submitter. Criteria: ACMG Guidelines, 2007. Collection method: clinical testing. Allele origin: germline. Inheritance: Autosomal recessive inheritance.